The following is an entry in ClinVar:

NM_001928.4(CFD):c.643G>A (p.Gly215Arg)

Gene: CFD (complement factor D; plus strand). Cytogenetic location: 19p13.3.
Variant type: single nucleotide variant.
Coding change: c.643G>A on transcript NM_001928.4 (MANE Select); coding-DNA position 643, G replaced by A.
Protein change: p.Gly215Arg; replaces glycine 215 with arginine.
Molecular consequence: missense variant.
Genome position (GRCh38, 1-based): chr19:863,119, G>A. VCF-style: chr19-863119-G-A. GRCh37 (hg19) VCF-style: chr19-863119-G-A.
Other names: c.664G>A, p.Gly222Arg (NM_001317335.2); short protein forms G215R, G222R.
Identifiers: ClinVar variation 3701046 (VCV003701046.1).

ClinVar aggregate classification (germline): Uncertain significance (1 of 4 stars; one submission).

gnomAD v4.1: 6 of 1,531,386 alleles (0.00039%); highest among the groups gnomAD compares: Non-Finnish European, 0.00052%; no homozygotes.

Submission:

Labcorp Genetics (formerly Invitae), Labcorp
Classification: Uncertain significance. Last evaluated: 2024-03-28. Review status: criteria provided, single submitter. Criteria: Invitae Variant Classification Sherloc (09022015). Collection method: clinical testing. Allele origin: germline.
Comment: This sequence change replaces glycine, which is neutral and non-polar, with arginine, which is basic and polar, at codon 215 of the CFD protein (p.Gly215Arg). This variant is present in population databases (no rsID available, gnomAD 0.004%). This variant has not been reported in the literature in individuals affected with CFD-related conditions. Algorithms developed to predict the effect of missense changes on protein structure and function output the following: SIFT: "Not Available"; PolyPhen-2: "Benign"; Align-GVGD: "Not Available". The arginine amino acid residue is found in multiple mammalian species, which suggests that this missense change does not adversely affect protein function. In summary, the available evidence is currently insufficient to determine the role of this variant in disease. Therefore, it has been classified as a Variant of Uncertain Significance.